The following is an entry in ClinVar:

ClinVar aggregate classification (germline): Uncertain significance. Review status: criteria provided, multiple submitters, no conflicts (2 of 4 stars). 2 submissions from 2 submitters: Uncertain significance (2). Last evaluated 2025-02-09.

Conditions:
Dilated cardiomyopathy 1DD (CMD1DD). Identifiers: Orphanet 154, MedGen C2750995, MONDO:0013168, OMIM 613172.

gnomAD v4.1: 1 of 1,551,760 alleles (0.000064%); no homozygotes.

Submissions (2):

GeneDx
Classification: Uncertain significance. Last evaluated: 2025-02-09. Review status: criteria provided, single submitter. Criteria: GeneDx Variant Classification Process June 2021. Collection method: clinical testing. Allele origin: germline. Affected: yes.
Comment: Not observed at significant frequency in large population cohorts (gnomAD); In silico analysis supports that this missense variant has a deleterious effect on protein structure/function; Has not been previously published as pathogenic or benign to our knowledge

Labcorp Genetics (formerly Invitae), Labcorp
Classification: Uncertain significance for Dilated cardiomyopathy 1DD. Last evaluated: 2025-01-29. Review status: criteria provided, single submitter. Criteria: Invitae Variant Classification Sherloc (09022015). Collection method: clinical testing. Allele origin: germline.
Comment: This sequence change replaces histidine, which is basic and polar, with arginine, which is basic and polar, at codon 709 of the RBM20 protein (p.His709Arg). This variant is not present in population databases (gnomAD no frequency). This variant has not been reported in the literature in individuals affected with RBM20-related conditions. ClinVar contains an entry for this variant (Variation ID: 1982969). Invitae Evidence Modeling of protein sequence and biophysical properties (such as structural, functional, and spatial information, amino acid conservation, physicochemical variation, residue mobility, and thermodynamic stability) indicates that this missense variant is not expected to disrupt RBM20 protein function with a negative predictive value of 95%. In summary, the available evidence is currently insufficient to determine the role of this variant in disease. Therefore, it has been classified as a Variant of Uncertain Significance.

NM_001134363.3(RBM20):c.2126A>G (p.His709Arg)

Gene: RBM20 (RNA binding motif protein 20; plus strand). Cytogenetic location: 10q25.2.
Variant type: single nucleotide variant.
Coding change: c.2126A>G on transcript NM_001134363.3 (MANE Select); coding-DNA position 2126, A replaced by G.
Protein change: p.His709Arg; replaces histidine 709 with arginine.
Molecular consequence: missense variant.
Genome position (GRCh38, 1-based): chr10:110,812,523, A>G. VCF-style: chr10-110812523-A-G. GRCh37 (hg19) VCF-style: chr10-112572281-A-G.
Other names: short protein forms H709R.
Identifiers: ClinVar variation 1982969 (VCV001982969.5), dbSNP rs1590696021, ClinGen allele CA378372025.